The following is an entry in ClinVar:

NM_004656.4(BAP1):c.1776C>G (p.Ser592Arg)

Gene: BAP1 (BRCA1 associated deubiquitinase 1; minus strand). Cytogenetic location: 3p21.1.
Variant type: single nucleotide variant.
Coding change: c.1776C>G on transcript NM_004656.4 (MANE Select); coding-DNA position 1776, C replaced by G.
Protein change: p.Ser592Arg; replaces serine 592 with arginine.
Molecular consequence: missense variant.
Genome position (GRCh38, 1-based): chr3:52,403,252, G>C on the plus strand (C>G on the coding strand, the complement: BAP1 is on the minus strand). VCF-style: chr3-52403252-G-C. GRCh37 (hg19) VCF-style: chr3-52437268-G-C.
Other names: c.1722C>G, p.Ser574Arg (NM_001410772.1); short protein forms S574R, S592R.
Identifiers: ClinVar variation 2015656 (VCV002015656.5), dbSNP rs2153226494, ClinGen allele CA353098953.
Genomic context (GRCh38, chr3:52,403,252, plus strand): 5'-CTTCTCTCTGCTGTCCGTGGCTTCCACGACCTCCTTCTCCACTGGGCTGCTGGACCCCTG[G>C]CTGCCTTGGATTGGTCTGATGGAGGGCGAGGAACCCTTCCCACCCTCTGGGAAGAGAGGT-3'
Protein context (NP_004647.1, residues 582-602): SSPSIRPIQG[Ser592Arg]QGSSSPVEKE

ClinVar aggregate classification (germline): Uncertain significance. Review status: criteria provided, multiple submitters, no conflicts (2 of 4 stars). 2 submissions from 2 submitters: Uncertain significance (2). Last evaluated 2026-09-09.

Conditions:
Hereditary cancer-predisposing syndrome. Also called: Hereditary neoplastic syndrome; Neoplastic Syndromes, Hereditary; Tumor predisposition; Hereditary Cancer Syndrome. Identifiers: Orphanet 140162, MedGen C0027672, MeSH D009386, MONDO:0015356.
BAP1-related tumor predisposition syndrome (TPDS1). Also called: Tumor susceptibility linked to germline BAP1 mutations; COMMON Syndrome; TUMOR PREDISPOSITION SYNDROME 1; BAP1 tumor predisposition syndrome. Identifiers: Orphanet 289539, MedGen C3280492, MONDO:0013692, OMIM 614327.

Submissions (2):

Ambry Genetics
Classification: Uncertain significance for Hereditary cancer-predisposing syndrome. Last evaluated: 2026-09-09. Review status: criteria provided, single submitter. Criteria: Ambry Variant Classification Scheme 2023. Collection method: clinical testing. Allele origin: germline.
Comment: The p.S592R variant (also known as c.1776C>G), located in coding exon 14 of the BAP1 gene, results from a C to G substitution at nucleotide position 1776. The serine at codon 592 is replaced by arginine, an amino acid with dissimilar properties. This amino acid position is conserved. In addition, this alteration is predicted to be tolerated by in silico analysis. Based on the available evidence, the clinical significance of this variant remains unclear.

Labcorp Genetics (formerly Invitae), Labcorp
Classification: Uncertain significance for BAP1-related tumor predisposition syndrome. Last evaluated: 2022-07-10. Review status: criteria provided, single submitter. Criteria: Invitae Variant Classification Sherloc (09022015). Collection method: clinical testing. Allele origin: germline.
Comment: In summary, the available evidence is currently insufficient to determine the role of this variant in disease. Therefore, it has been classified as a Variant of Uncertain Significance. Algorithms developed to predict the effect of missense changes on protein structure and function are either unavailable or do not agree on the potential impact of this missense change (SIFT: "Deleterious"; PolyPhen-2: "Benign"; Align-GVGD: "Class C0"). This variant has not been reported in the literature in individuals affected with BAP1-related conditions. This variant is not present in population databases (gnomAD no frequency). This sequence change replaces serine, which is neutral and polar, with arginine, which is basic and polar, at codon 592 of the BAP1 protein (p.Ser592Arg).